The following is an entry in ClinVar:

NM_001374353.1(GLI2):c.4286A>G (p.Tyr1429Cys)

Gene: GLI2 (GLI family zinc finger 2; plus strand). Cytogenetic location: 2q14.2.
Variant type: single nucleotide variant.
Coding change: c.4286A>G on transcript NM_001374353.1 (MANE Select); coding-DNA position 4286, A replaced by G.
Protein change: p.Tyr1429Cys; replaces tyrosine 1429 with cysteine.
Molecular consequence: missense variant.
Genome position (GRCh38, 1-based): chr2:120,990,251, A>G. VCF-style: chr2-120990251-A-G. GRCh37 (hg19) VCF-style: chr2-121747827-A-G.
Other names: c.4337A>G, p.Tyr1446Cys (NM_001371271.1, NM_005270.5); c.3911A>G, p.Tyr1304Cys (NM_001374354.1); short protein forms Y1304C, Y1429C, Y1446C.
Identifiers: ClinVar variation 3750150 (VCV003750150.2).
Genomic context (GRCh38, chr2:120,990,251, plus strand): 5'-CGGTGCCTCCCCAGCCGCCTCCGCAGGACGCAGGTGGGGCCCCGGACCACAGCATGCTCT[A>G]CTACTACGGCCAGATCCACATGTACGAACAGGATGGAGGCCTGGAGAACCTCGGGAGCTG-3'
Protein context (NP_001361282.1, residues 1419-1439): AGGAPDHSML[Tyr1429Cys]YYGQIHMYEQ

ClinVar aggregate classification (germline): Uncertain significance (1 of 4 stars; one submission).

Conditions:
Postaxial polydactyly-anterior pituitary anomalies-facial dysmorphism syndrome. Also called: Culler-Jones syndrome. Identifiers: Orphanet 420584, MedGen C4014479, MONDO:0014369, OMIM 615849.
Holoprosencephaly 9 (HPE9). Also called: PITUITARY ANOMALIES WITH HOLOPROSENCEPHALY-LIKE FEATURES; HOLOPROSENCEPHALY WITH MICROPHTHALMIA AND FIRST BRANCHIAL ARCH ANOMALIES. Identifiers: Orphanet 2162, MedGen C1835819, MONDO:0012563, OMIM 610829.

gnomAD v4.1: 2 of 1,613,646 alleles (0.00012%); highest among the groups gnomAD compares: East Asian, 0.0022%; no homozygotes.

Submission:

Labcorp Genetics (formerly Invitae), Labcorp
Classification: Uncertain significance for Postaxial polydactyly-anterior pituitary anomalies-facial dysmorphism syndrome; Holoprosencephaly 9. Last evaluated: 2024-03-25. Review status: criteria provided, single submitter. Criteria: Invitae Variant Classification Sherloc (09022015). Collection method: clinical testing. Allele origin: germline.
Comment: This sequence change replaces tyrosine, which is neutral and polar, with cysteine, which is neutral and slightly polar, at codon 1446 of the GLI2 protein (p.Tyr1446Cys). This variant is present in population databases (rs199512645, gnomAD 0.006%). This variant has not been reported in the literature in individuals affected with GLI2-related conditions. Advanced modeling of protein sequence and biophysical properties (such as structural, functional, and spatial information, amino acid conservation, physicochemical variation, residue mobility, and thermodynamic stability) performed at Invitae indicates that this missense variant is expected to disrupt GLI2 protein function with a positive predictive value of 80%. In summary, the available evidence is currently insufficient to determine the role of this variant in disease. Therefore, it has been classified as a Variant of Uncertain Significance.